The following is an entry in ClinVar:

NM_000264.5(PTCH1):c.4098G>C (p.Gln1366His)

Gene: PTCH1 (patched 1; minus strand). Cytogenetic location: 9q22.32.
Variant type: single nucleotide variant.
Coding change: c.4098G>C on transcript NM_000264.5 (MANE Select); coding-DNA position 4098, G replaced by C.
Protein change: p.Gln1366His; replaces glutamine 1366 with histidine.
Molecular consequence: missense variant. On other transcripts: non-coding transcript variant (1).
Genome position (GRCh38, 1-based): chr9:95,447,158, C>G on the plus strand (G>C on the coding strand, the complement: PTCH1 is on the minus strand). VCF-style: chr9-95447158-C-G. GRCh37 (hg19) VCF-style: chr9-98209440-C-G.
Other names: c.3900G>C, p.Gln1300His (NM_001083602.3); c.4095G>C, p.Gln1365His (NM_001083603.3); c.3645G>C, p.Gln1215His (NM_001083604.3, NM_001083605.3, NM_001083606.3 and 1 more transcripts); c.3942G>C, p.Gln1314His (NM_001354918.2); short protein forms Q1314H, Q1300H, Q1365H, Q1215H, Q1366H.
Identifiers: ClinVar variation 824586 (VCV000824586.5), dbSNP rs1588510720, ClinGen allele CA374110320.
Genomic context (GRCh38, chr9:95,447,158, plus strand): 5'-GACAGGCGGCGGGTGCACGGCGACAGTCACGGAGGCAGAAGCCGTCACAGTGGTGATGGG[C>G]TGGCAGTAGCCGGGCACGGAGCTGCCCATGGCAGTGGACGCTGGGTTCCGAGGGTTGTGA-3'
Protein context (NP_000255.2, residues 1356-1376): AMGSSVPGYC[Gln1366His]PITTVTASAS

ClinVar aggregate classification (germline): Uncertain significance (1 of 4 stars; one submission).

Conditions:
Hereditary cancer-predisposing syndrome. Also called: Tumor predisposition; Hereditary neoplastic syndrome; Neoplastic Syndromes, Hereditary; Hereditary Cancer Syndrome. Identifiers: Orphanet 140162, MedGen C0027672, MeSH D009386, MONDO:0015356.

Submission:

Ambry Genetics
Classification: Uncertain significance for Hereditary cancer-predisposing syndrome. Last evaluated: 2026-07-24. Review status: criteria provided, single submitter. Criteria: Ambry Variant Classification Scheme 2023. Collection method: clinical testing. Allele origin: germline.
Comment: The p.Q1366H variant (also known as c.4098G>C), located in coding exon 23 of the PTCH1 gene, results from a G to C substitution at nucleotide position 4098. The glutamine at codon 1366 is replaced by histidine, an amino acid with highly similar properties. This amino acid position is well conserved in available vertebrate species. In addition, this alteration is predicted to be deleterious by in silico analysis. Based on the available evidence, the clinical significance of this variant remains unclear.